The following is an entry in ClinVar:

ClinVar aggregate classification (germline): Likely benign (0 of 4 stars; one submission).

Conditions:
TCF12-related disorder. Also called: TCF12-related condition.

Allele frequency attached by ClinVar (database versions not stated): ExAC 0.00003; gnomAD 0.00003; gnomAD exomes 0.00003.
gnomAD v4.1: 25 of 1,588,486 alleles (0.0016%); highest among the groups gnomAD compares: South Asian, 0.027%; 1 homozygote.

Submission:

PreventionGenetics, part of Exact Sciences
Classification: Likely benign for TCF12-related condition. Last evaluated: 2019-06-28. Review status: no assertion criteria provided. Collection method: clinical testing. Allele origin: germline.
Comment: This variant is classified as likely benign based on ACMG/AMP sequence variant interpretation guidelines (Richards et al. 2015 PMID: 25741868, with internal and published modifications).

NM_207037.2(TCF12):c.1583-8T>C

Gene: TCF12 (transcription factor 12; plus strand). Cytogenetic location: 15q21.3.
Variant type: single nucleotide variant.
Coding change: c.1583-8T>C on transcript NM_207037.2 (MANE Select); 8 bases into the intron before coding-DNA position 1583, T replaced by C.
Molecular consequence: intron variant.
Genome position (GRCh38, 1-based): chr15:57,263,104, T>C. VCF-style: chr15-57263104-T-C. GRCh37 (hg19) VCF-style: chr15-57555302-T-C.
Other names: c.1583-8T>C (NM_001322151.2, NM_001322159.3, NM_001322152.2 and 2 more transcripts); c.1511-8T>C (NM_001322157.3, NM_003205.4, NM_207038.2 and 1 more transcripts); c.1409-8T>C (NM_001322156.2); c.1337-8T>C (NM_001322158.2); c.926-8T>C (NM_001322154.2); c.1580-8T>C (NM_001322161.2); c.1547-8T>C (NM_001322164.2); c.1073-8T>C (NM_001306219.3); and 2 more.
Identifiers: ClinVar variation 3043065 (VCV003043065.2), dbSNP rs749356575, ClinGen allele CA7581319.
Genomic context (GRCh38, chr15:57,263,104, plus strand): 5'-ATTGTCTTAGCTGTAATTCATATATGAGTCTCGTCTTTTATTTTATCTTTCCTTTGCCTC[T>C]TTGTTAGGTGGCTTGCAAAGTCAGTCTGGAACTGTTGTTACAACAGAAATCAAGACTGAA-3'